The following is an entry in ClinVar:

ClinVar aggregate classification (germline): Pathogenic. Review status: criteria provided, multiple submitters, no conflicts (2 of 4 stars). 18 submissions from 17 submitters: Pathogenic (14). 4 of the submissions do not count toward it. Last evaluated 2026-01-26.

Conditions:
SMARCAL1-related disorder. Also called: SMARCAL1-related condition.
Nephrotic syndrome. Identifiers: MedGen C0027726, MONDO:0005377, HP:0000100.
Schimke immuno-osseous dysplasia (SIOD). Also called: Schimke Immunoosseous Dysplasia. Identifiers: Orphanet 1830, MedGen C0877024, MONDO:0009458, OMIM 242900.
Decreased body weight. Identifiers: MedGen C5574742, HP:0004325.
Steroid-resistant nephrotic syndrome. Identifiers: MedGen C0403397, MONDO:0044765, HP:0012588.
Microcephaly. Also called: Microcephaly (disease). Identifiers: MedGen C4551563, MONDO:0001149, HP:0000252.
Small for gestational age. Also called: Low birth weight. Identifiers: MedGen C0235991, HP:0001518.
Disproportionate short-trunk short stature. Identifiers: MedGen C1846435, HP:0003521.
Focal segmental glomerulosclerosis (FSGS). Also called: Glomerulosclerosis, focal; Focal sclerosis with hyalinosis. Identifiers: MedGen C0017668, MONDO:0100313, HP:0000097. Disease mechanism: loss of function.
Primary microcephaly. Also called: Congenital microcephaly. Identifiers: MedGen C2677180, HP:0011451.
Familial atrioventricular septal defect. Also called: AVC DEFECT. Identifiers: Orphanet 98722, MedGen CN029142, MONDO:0020290.
Short stature. Identifiers: MedGen C0349588, HP:0004322.

Allele frequency attached by ClinVar (database versions not stated): TOPMed 0.00004; gnomAD exomes 0.00008; ExAC 0.00012; gnomAD 0.00012 and 0.00013.
gnomAD v4.1: 134 of 1,614,152 alleles (0.0083%); highest among the groups gnomAD compares: Non-Finnish European, 0.0089%; no homozygotes.

Submissions 1 to 12 of 18:

Labcorp Genetics (formerly Invitae), Labcorp
Classification: Pathogenic for Schimke immuno-osseous dysplasia. Last evaluated: 2026-01-26. Review status: criteria provided, single submitter. Criteria: Invitae Variant Classification Sherloc (09022015). Collection method: clinical testing. Allele origin: germline.
Comment: This sequence change creates a premature translational stop signal (p.Glu848*) in the SMARCAL1 gene. It is expected to result in an absent or disrupted protein product. Loss-of-function variants in SMARCAL1 are known to be pathogenic (PMID: 11799392, 20301550). This variant is present in population databases (rs119473033, gnomAD 0.02%). This premature translational stop signal has been observed in individuals with Schimke-immuno-osseous dysplasia (PMID: 11799392, 15880370, 18805831, 19127206, 22998683, 26499378, 28796785). ClinVar contains an entry for this variant (Variation ID: 4171). For these reasons, this variant has been classified as Pathogenic.

Natera, Inc.
Classification: Pathogenic for Schimke immuno-osseous dysplasia. Last evaluated: 2025-09-09. Review status: criteria provided, single submitter. Criteria: Natera Variant Classification Schema (03/2026). Collection method: clinical testing. Allele origin: germline.
Comment: The c.2542G>T variant in SMARCAL1 is a nonsense variant predicted to introduce a stop codon at amino acid 848. This variant is expected to result in nonsense mediated decay, truncation, or a dysfunctional protein product. This variant is rare in the general population with a frequency below the threshold expected for the associated phenotype(s). This variant has been observed in one or more individuals affected with the associated recessive disease, as either homozygous or compound heterozygous with a second variant (PMID: 26499378). Given the available evidence, this variant is classified as Pathogenic.

Laboratory of Genetics, Children's Clinical University Hospital Latvia
Classification: Pathogenic. Last evaluated: 2025-02-16. Review status: criteria provided, single submitter. Criteria: ACMG Guidelines, 2015. Collection method: clinical testing. Allele origin: germline. Affected: yes.

Victorian Clinical Genetics Services, Murdoch Childrens Research Institute
Classification: Pathogenic for Schimke immuno-osseous dysplasia. Last evaluated: 2024-11-26. Review status: criteria provided, single submitter. Criteria: ACMG Guidelines, 2015. Collection method: clinical testing. Allele origin: germline. Affected: yes.
Comment: This variant is classified as Pathogenic. Evidence in support of pathogenic classification: Variant is predicted to cause nonsense-mediated decay (NMD) and loss of protein (premature termination codon is located at least 54 nucleotides upstream of the final exon-exon junction); Variant is present in gnomAD <0.01 for a recessive condition (v4: 134 heterozygote(s), 0 homozygote(s)); This variant has strong previous evidence of pathogenicity in unrelated individuals. This variant has been classified as pathogenic by many clinical laboratories (ClinVar); Other NMD-predicted variant(s) comparable to the one identified in this case have very strong previous evidence for pathogenicity (DECIPHER). Additional information: This variant is heterozygous; This gene is associated with autosomal recessive disease; Loss of function is a known mechanism of disease in this gene and is associated with Schimke immunoosseous dysplasia (MIM#242900); Variants in this gene are known to have variable expressivity. The associated phenotype involves a spectrum ranging from severe-early onset disease to a milder later-onset form (PMID: 20301550, OMIM); Inheritance information for this variant is not currently available in this individual.

Blueprint Genetics
Classification: Pathogenic for SMARCAL1-related disorders. Last evaluated: 2024-09-16. Review status: criteria provided, single submitter. Criteria: ACMG Guidelines, 2015. Collection method: clinical testing. Allele origin: germline. Affected: yes. Observed: 5 variant alleles.

Fulgent Genetics
Classification: Pathogenic for Schimke immuno-osseous dysplasia. Last evaluated: 2024-04-30. Review status: criteria provided, single submitter. Criteria: ACMG Guidelines, 2015. Collection method: clinical testing. Allele origin: germline.

CeGaT Center for Human Genetics Tuebingen
Classification: Pathogenic. Last evaluated: 2023-04-01. Review status: criteria provided, single submitter. Criteria: CeGaT Center For Human Genetics Tuebingen Variant Classification Criteria Version 2. Collection method: clinical testing. Allele origin: germline. Affected: yes. Observed: 2 variant alleles.
Comment: SMARCAL1: PVS1, PM2

GeneDx
Classification: Pathogenic. Last evaluated: 2022-12-23. Review status: criteria provided, single submitter. Criteria: GeneDx Variant Classification Process June 2021. Collection method: clinical testing. Allele origin: germline. Affected: yes.
Comment: Nonsense variant predicted to result in protein truncation or nonsense mediated decay in a gene for which loss of function is a known mechanism of disease; This variant is associated with the following publications: (PMID: 25525159, 32115305, 31980526, 31589614, 17089404, 15880370, 21914180, 28796785, 19127206, 34503567, 11799392, 24589093, 29282041, 29127259, 18805831)

Institute of Human Genetics, University of Leipzig Medical Center
Classification: Pathogenic for Schimke immuno-osseous dysplasia. Last evaluated: 2019-07-10. Review status: criteria provided, single submitter. Criteria: ACMG Guidelines, 2015. Collection method: clinical testing. Allele origin: unknown. Inheritance: Autosomal recessive inheritance. Affected: yes.

Centre for Mendelian Genomics, University Medical Centre Ljubljana
Classification: Pathogenic for Schimke immuno-osseous dysplasia. Last evaluated: 2019-01-27. Review status: criteria provided, single submitter. Criteria: ACMG Guidelines, 2015. Collection method: clinical testing. Allele origin: unknown. Affected: yes.
Comment: This variant was classified as: Pathogenic. The following ACMG criteria were applied in classifying this variant: PVS1,PM2,PP3,PP5.

Broad Center for Mendelian Genomics, Broad Institute of MIT and Harvard
Classification: Pathogenic for Schimke immuno-osseous dysplasia. Last evaluated: 2017-06-26. Review status: criteria provided, single submitter. Criteria: ACMG Guidelines, 2015. Collection method: research. Allele origin: germline. Inheritance: Autosomal recessive inheritance. Affected: yes. Observed: 1 variant allele. Study: Broad Institute Center for Mendelian Genomics (CMG).
Comment: PVS1: The c.2542G>T (p.Glu848Ter) variant is a stop gained variant and is predicted to result in premature truncation of the protein. The p.Glu848Ter variant has been reported many times in patients (PMID: 24589093, PMID: 11799392). Functional studies showed that the p.Glu848Ter variant results in undetectable protein levels, protein mislocalization, and deficient ATP hydrolyzation (PMID: 18805831). PM2: Rare in reference population databases, gnomAD AC = 24 (Finnish AF = 0.02%).

Illumina Laboratory Services, Illumina
Classification: Pathogenic for Schimke immuno-osseous dysplasia. Last evaluated: 2017-04-27. Review status: criteria provided, single submitter. Criteria: ICSL Variant Classification Criteria 09 May 2019. Collection method: clinical testing. Allele origin: germline.
Comment: The SMARCAL1 c.2542G>T (p.Glu848Ter) variant is a stop gained variant and is predicted to result in premature truncation of the protein. The p.Glu848Ter variant has been reported in at least seven studies in which it is found a total of 28 individuals with Schimke immunoosseous dysplasia, including 11 in a homozygous state and 17 in a compound heterozygous state (Boerkoel et al. 2002; Clewing et al. 2007a; Clewing et al. 2007b; Zivicnjak et al. 2009; Zieg et al. 2011; Santangelo et al. 2014; Sanyal et al. 2015). The p.Glu848Ter variant has also been reported in a heterozygous state in nine unaffected parents (Boerkoel et al. 2002; Zieg et al. 2011; Santangelo et al. 2014). The variant was absent from 126 control chromosomes but is reported at a frequency of 0.00045 in the European (Finnish) population of the Exome Aggregation Consortium. Functional studies showed that the p.Glu848Ter variant results in undetectable protein levels, protein mislocalization, and deficient ATP hydrolyzation (Elizondo et al. 2009). Based on the potential impact of stop-gained variants and the collective evidence, the p.Glu848Ter variant is classified as pathogenic for Schimke immunoosseous dysplasia. This variant was observed by ICSL as part of a predisposition screen in an ostensibly healthy population.

NM_014140.4(SMARCAL1):c.2542G>T (p.Glu848Ter)

Gene: SMARCAL1 (SNF2 related chromatin remodeling annealing helicase 1; plus strand). Cytogenetic location: 2q35.
Variant type: single nucleotide variant.
Coding change: c.2542G>T on transcript NM_014140.4 (MANE Select); coding-DNA position 2542, G replaced by T.
Protein change: p.Glu848Ter; replaces glutamic acid 848 with a stop codon.
Molecular consequence: nonsense.
Genome position (GRCh38, 1-based): chr2:216,478,216, G>T. VCF-style: chr2-216478216-G-T. GRCh37 (hg19) VCF-style: chr2-217342939-G-T.
Other names: c.2542G>T, p.Glu848Ter (NM_001127207.2); short protein forms E848*.
Identifiers: ClinVar variation 4171 (VCV000004171.57), dbSNP rs119473033, ClinGen allele CA253017.